The following is an entry in ClinVar:

ClinVar aggregate classification (germline): Pathogenic (1 of 4 stars; one submission).

Conditions:
Deficiency of galactokinase. Also called: GALACTOSEMIA II; Galactokinase deficiency with cataracts. Identifiers: Orphanet 352, Orphanet 79237, MedGen C0268155, MONDO:0009255, OMIM 230200.

Submission:

Myriad Genetics, Inc.
Classification: Pathogenic for Deficiency of galactokinase. Last evaluated: 2023-10-04. Review status: criteria provided, single submitter. Criteria: Myriad Autosomal Dominant, Autosomal Recessive and X-Linked Classification Criteria (2023). Collection method: clinical testing. Allele origin: unknown.
Comment: NM_000154.1(GALK1):c.100_115del16(A34Tfs*22) is expected to be pathogenic in the context of galactokinase deficiency. This variant is predicted to lead to an abnormal or absent protein product due to the creation of a premature termination codon in GALK1, a gene where loss-of-function variants are known to be pathogenic. Please note: this variant was assessed in the context of healthy population screening.

NM_000154.2(GALK1):c.100_115del (p.Ala34fs)

Gene: GALK1 (galactokinase 1; minus strand). Cytogenetic location: 17q25.1.
Variant type: Deletion.
Coding change: c.100_115del on transcript NM_000154.2 (MANE Select); coding-DNA positions 100 to 115, 16 bases deleted (GCGCCGGGCCGCGTCA).
Protein change: p.Ala34fs; shifts the reading frame from alanine 34.
Molecular consequence: frameshift variant.
Genome position (GRCh38, 1-based): chr17:75,765,022-75,765,037, TGACGCGGCCCGGCGC deleted on the plus strand (GCGCCGGGCCGCGTCA on the coding strand, the reverse complement: GALK1 is on the minus strand); deleting any 16 consecutive bases within chr17:75,765,022-75,765,041 gives the same sequence; the c. name uses the placement nearest the transcript's 3' end. VCF-style (leftmost placement, unchanged base first): chr17-75765021-TTGACGCGGCCCGGCGC-T. GRCh37 (hg19) VCF-style: chr17-73761102-TTGACGCGGCCCGGCGC-T.
Other names: c.100_115del, p.Ala34fs (NM_001381985.1); short protein forms A34fs.
Identifiers: ClinVar variation 5012357 (VCV005012357.1).